The following is an entry in ClinVar:

NM_001365999.1(SZT2):c.2569G>A (p.Ala857Thr)

Gene: SZT2 (SZT2 subunit of KICSTOR complex; plus strand). Cytogenetic location: 1p34.2.
Variant type: single nucleotide variant.
Coding change: c.2569G>A on transcript NM_001365999.1 (MANE Select); coding-DNA position 2569, G replaced by A.
Protein change: p.Ala857Thr; replaces alanine 857 with threonine.
Molecular consequence: missense variant.
Genome position (GRCh38, 1-based): chr1:43,425,131, G>A. VCF-style: chr1-43425131-G-A. GRCh37 (hg19) VCF-style: chr1-43890802-G-A.
Other names: c.2569G>A, p.Ala857Thr (NM_015284.4); short protein forms A857T.
Identifiers: ClinVar variation 1060791 (VCV001060791.11), dbSNP rs772010145, ClinGen allele CA808743.

ClinVar aggregate classification (germline): Uncertain significance. Review status: criteria provided, multiple submitters, no conflicts (2 of 4 stars). 3 submissions from 3 submitters: Uncertain significance (3). Last evaluated 2023-04-11.

Conditions:
Developmental and epileptic encephalopathy, 18 (DEE18). Also called: Early infantile epileptic encephalopathy 18. Identifiers: Orphanet 369894, MedGen C3809624, MONDO:0014201, OMIM 615476.

Allele frequency attached by ClinVar (database versions not stated): gnomAD 0.00001; gnomAD exomes 0.00002 and 0.00004; ExAC 0.00008.
gnomAD v4.1: 31 of 1,614,070 alleles (0.0019%); highest among the groups gnomAD compares: South Asian, 0.026%; 1 homozygote.

Submissions (3):

Genome-Nilou Lab
Classification: Uncertain significance for Developmental and epileptic encephalopathy, 18. Last evaluated: 2023-04-11. Review status: criteria provided, single submitter. Criteria: ACMG Guidelines, 2015. Collection method: clinical testing. Allele origin: germline. Affected: no.

Labcorp Genetics (formerly Invitae), Labcorp
Classification: Uncertain significance. Last evaluated: 2021-09-01. Review status: criteria provided, single submitter. Criteria: Invitae Variant Classification Sherloc (09022015). Collection method: clinical testing. Allele origin: germline.
Comment: This sequence change replaces alanine with threonine at codon 857 of the SZT2 protein (p.Ala857Thr). The alanine residue is highly conserved and there is a small physicochemical difference between alanine and threonine. This variant is present in population databases (rs772010145, ExAC 0.06%), including at least one homozygous and/or hemizygous individual. This variant has not been reported in the literature in individuals affected with SZT2-related conditions. Algorithms developed to predict the effect of missense changes on protein structure and function are either unavailable or do not agree on the potential impact of this missense change (SIFT: "Deleterious"; PolyPhen-2: "Probably Damaging"; Align-GVGD: "Class C0"). In summary, the available evidence is currently insufficient to determine the role of this variant in disease. Therefore, it has been classified as a Variant of Uncertain Significance.

Mayo Clinic Laboratories, Mayo Clinic
Classification: Uncertain significance. Last evaluated: 2019-12-13. Review status: criteria provided, single submitter. Criteria: ACMG Guidelines, 2015. Collection method: clinical testing. Allele origin: germline. Observed: 1 variant allele.